The following is an entry in ClinVar:

ClinVar aggregate classification (germline): Likely benign (1 of 4 stars; one submission).

Submission:

CeGaT Center for Human Genetics Tuebingen
Classification: Likely benign. Last evaluated: 2026-05-01. Review status: criteria provided, single submitter. Criteria: CeGaT Center For Human Genetics Tuebingen Variant Classification Criteria Version 2. Collection method: clinical testing. Allele origin: germline. Affected: yes. Observed: 1 variant allele.
Comment: RHOBTB2: PM2:Supporting, BP4, BP7

NM_015178.3(RHOBTB2):c.837T>C (p.Phe279=)

Gene: RHOBTB2 (Rho related BTB domain containing 2; plus strand). Cytogenetic location: 8p21.3.
Variant type: single nucleotide variant.
Coding change: c.837T>C on transcript NM_015178.3 (MANE Select); coding-DNA position 837, T replaced by C.
Protein change: p.Phe279=; no amino-acid change (phenylalanine 279 retained).
Molecular consequence: synonymous variant.
Genome position (GRCh38, 1-based): chr8:23,007,082, T>C. VCF-style: chr8-23007082-T-C. GRCh37 (hg19) VCF-style: chr8-22864595-T-C.
Other names: c.903T>C, p.Phe301= (NM_001160036.2); c.858T>C, p.Phe286= (NM_001160037.2); c.837T>C, p.Phe279= (NM_001374791.1).
Identifiers: ClinVar variation 4872806 (VCV004872806.2).
Genomic context (GRCh38, chr8:23,007,082, plus strand): 5'-CCTGGAGGACCCGCTCTGCGCGGACGTCATCCTGGTGCTGCAGGAGCGGGTGCGCATCTT[T>C]GCCCACAAGATCTACCTCTCCACCTCTTCCTCCAAGTTCTATGACCTGTTCCTCATGGAC-3'
Protein context (NP_055993.2, residues 269-289): ILVLQERVRI[Phe279=]AHKIYLSTSS